The following is an entry in ClinVar:

ClinVar aggregate classification (germline): Uncertain significance. Review status: criteria provided, multiple submitters, no conflicts (2 of 4 stars). 2 submissions from 2 submitters: Uncertain significance (2). Last evaluated 2026-09-02.

Conditions:
Inborn genetic diseases. Identifiers: MedGen C0950123, MeSH D030342.

Submissions (2):

Ambry Genetics
Classification: Uncertain significance for Inborn genetic diseases. Last evaluated: 2026-09-02. Review status: criteria provided, single submitter. Criteria: Ambry Variant Classification Scheme 2023. Collection method: clinical testing. Allele origin: germline.

GeneDx
Classification: Uncertain significance. Last evaluated: 2023-01-31. Review status: criteria provided, single submitter. Criteria: GeneDx Variant Classification Process June 2021. Collection method: clinical testing. Allele origin: germline. Affected: yes.
Comment: Has not been previously published as pathogenic or benign to our knowledge; Not observed at significant frequency in large population cohorts (gnomAD); In silico analysis supports that this missense variant does not alter protein structure/function

NM_030665.4(RAI1):c.214G>T (p.Ala72Ser)

Gene: RAI1 (retinoic acid induced 1; plus strand). Cytogenetic location: 17p11.2.
Variant type: single nucleotide variant.
Coding change: c.214G>T on transcript NM_030665.4 (MANE Select); coding-DNA position 214, G replaced by T.
Protein change: p.Ala72Ser; replaces alanine 72 with serine.
Molecular consequence: missense variant.
Genome position (GRCh38, 1-based): chr17:17,793,162, G>T. VCF-style: chr17-17793162-G-T. GRCh37 (hg19) VCF-style: chr17-17696476-G-T.
Other names: short protein forms A72S.
Identifiers: ClinVar variation 2574265 (VCV002574265.2), dbSNP rs370671656, ClinGen allele CA398544988.